The following is an entry in ClinVar:

NM_004006.3(DMD):c.4150G>T (p.Glu1384Ter)

Gene: DMD (dystrophin; minus strand). Cytogenetic location: Xp21.1.
Variant type: single nucleotide variant.
Coding change: c.4150G>T on transcript NM_004006.3 (MANE Select); coding-DNA position 4150, G replaced by T.
Protein change: p.Glu1384Ter; replaces glutamic acid 1384 with a stop codon.
Molecular consequence: nonsense.
Genome position (GRCh38, 1-based): chrX:32,411,835, C>A on the plus strand (G>T on the coding strand, the complement: DMD is on the minus strand). VCF-style: chrX-32411835-C-A. GRCh37 (hg19) VCF-style: chrX-32429952-C-A.
Other names: c.4126G>T, p.Glu1376Ter (NM_000109.4); c.4138G>T, p.Glu1380Ter (NM_004009.3); c.3781G>T, p.Glu1261Ter (NM_004010.3); c.127G>T, p.Glu43Ter (NM_004011.4); c.118G>T, p.Glu40Ter (NM_004012.4); short protein forms E1261*, E1376*, E1380*, E1384*, E40*, E43*.
Identifiers: ClinVar variation 1322707 (VCV001322707.13), dbSNP rs2147935387, ClinGen allele CA412666404.

ClinVar aggregate classification (germline): Pathogenic. Review status: criteria provided, multiple submitters, no conflicts (2 of 4 stars). 3 submissions from 3 submitters: Pathogenic (3). Last evaluated 2025-06-01.

Conditions:
Becker muscular dystrophy (BMD). Also called: Becker Muscular Dystrophy (BMD); MUSCULAR DYSTROPHY, PSEUDOHYPERTROPHIC PROGRESSIVE, BECKER TYPE. Identifiers: Orphanet 98895, MedGen C0917713, MONDO:0010311, OMIM 300376.
Becker muscular dystrophy, Cardiomyopathy, Duchenne muscular dystrophy, Dystrophin deficiency.

Submissions (3):

CeGaT Center for Human Genetics Tuebingen
Classification: Pathogenic. Last evaluated: 2025-06-01. Review status: criteria provided, single submitter. Criteria: CeGaT Center For Human Genetics Tuebingen Variant Classification Criteria Version 2. Collection method: clinical testing. Allele origin: germline. Affected: yes. Observed: 1 variant allele.
Comment: DMD: PVS1, PM2, PS4:Moderate

Natera, Inc.
Classification: Pathogenic for Becker muscular dystrophy, Cardiomyopathy, Duchenne muscular dystrophy, Dystrophin deficiency. Last evaluated: 2024-07-10. Review status: criteria provided, single submitter. Criteria: Natera Variant Classification Schema (03/2026). Collection method: clinical testing. Allele origin: germline.
Comment: The c.4150G>T variant in DMD is a nonsense variant predicted to introduce a stop codon at amino acid 1384. This variant is expected to result in nonsense mediated decay, truncation, or a dysfunctional protein product. This variant is rare in the general population with a frequency below the threshold expected for the associated phenotype(s). This variant has been observed in affected individual(s) with monoallelic occurrence (heterozygous/hemizygous) (PMID: 31081998). Functional studies show that this variant may disrupt protein function (PMID: 16566881). Given the available evidence, this variant is classified as Pathogenic.

Mendelics
Classification: Pathogenic for Becker muscular dystrophy. Last evaluated: 2022-05-04. Review status: criteria provided, single submitter. Criteria: Mendelics Assertion Criteria 2019. Collection method: clinical testing. Allele origin: germline.

Literature cited by the submitters: PubMed 31081998 (cited by Natera, Inc.); PubMed 16566881 (cited by Natera, Inc.).